The following is an entry in ClinVar:

NM_001291303.3(FAT4):c.6883C>T (p.Leu2295Phe)

Gene: FAT4 (FAT atypical cadherin 4; plus strand). Cytogenetic location: 4q28.1.
Variant type: single nucleotide variant.
Coding change: c.6883C>T on transcript NM_001291303.3 (MANE Select); coding-DNA position 6883, C replaced by T.
Protein change: p.Leu2295Phe; replaces leucine 2295 with phenylalanine.
Molecular consequence: missense variant.
Genome position (GRCh38, 1-based): chr4:125,416,487, C>T. VCF-style: chr4-125416487-C-T. GRCh37 (hg19) VCF-style: chr4-126337642-C-T.
Other names: c.6883C>T, p.Leu2295Phe (NM_001291285.3, NM_024582.6); short protein forms L2295F.
Identifiers: ClinVar variation 1359493 (VCV001359493.8), dbSNP rs2126028825, ClinGen allele CA358131486.

ClinVar aggregate classification (germline): Uncertain significance (1 of 4 stars; one submission).

Allele frequency attached by ClinVar (database versions not stated): gnomAD exomes below 0.00001.
gnomAD v4.1: 2 of 1,613,746 alleles (0.00012%); highest among the groups gnomAD compares: Non-Finnish European, 0.00017%; no homozygotes.

Submission:

Labcorp Genetics (formerly Invitae), Labcorp
Classification: Uncertain significance. Last evaluated: 2023-07-21. Review status: criteria provided, single submitter. Criteria: Invitae Variant Classification Sherloc (09022015). Collection method: clinical testing. Allele origin: germline.
Comment: This variant has not been reported in the literature in individuals affected with FAT4-related conditions. In summary, the available evidence is currently insufficient to determine the role of this variant in disease. Therefore, it has been classified as a Variant of Uncertain Significance. Advanced modeling of protein sequence and biophysical properties (such as structural, functional, and spatial information, amino acid conservation, physicochemical variation, residue mobility, and thermodynamic stability) performed at Invitae indicates that this missense variant is expected to disrupt FAT4 protein function. ClinVar contains an entry for this variant (Variation ID: 1359493). This variant is not present in population databases (gnomAD no frequency). This sequence change replaces leucine, which is neutral and non-polar, with phenylalanine, which is neutral and non-polar, at codon 2295 of the FAT4 protein (p.Leu2295Phe).